The following is an entry in ClinVar:

ClinVar aggregate classification (germline): Likely pathogenic. Review status: criteria provided, multiple submitters, no conflicts (2 of 4 stars). 2 submissions from 2 submitters: Likely pathogenic (2). Last evaluated 2023-08-01.

Conditions:
TYR-related disorder. Also called: TYR-related condition.

gnomAD v4.1: 1 of 1,614,222 alleles (0.000062%); highest among the groups gnomAD compares: South Asian, 0.0011%; no homozygotes.

Submissions (2):

CeGaT Center for Human Genetics Tuebingen
Classification: Likely pathogenic. Last evaluated: 2023-08-01. Review status: criteria provided, single submitter. Criteria: CeGaT Center For Human Genetics Tuebingen Variant Classification Criteria Version 2. Collection method: clinical testing. Allele origin: germline. Affected: yes. Observed: 1 variant allele.
Comment: TYR: PM1, PM2, PM5

Blueprint Genetics
Classification: Likely pathogenic for TYR-related disorders. Last evaluated: 2022-01-24. Review status: criteria provided, single submitter. Criteria: ACMG Guidelines, 2015. Collection method: clinical testing. Allele origin: germline. Affected: yes. Observed: 2 variant alleles.

NM_000372.5(TYR):c.163T>C (p.Cys55Arg)

Gene: TYR (tyrosinase; plus strand). Cytogenetic location: 11q14.3.
Variant type: single nucleotide variant.
Coding change: c.163T>C on transcript NM_000372.5 (MANE Select); coding-DNA position 163, T replaced by C.
Protein change: p.Cys55Arg; replaces cysteine 55 with arginine.
Molecular consequence: missense variant.
Genome position (GRCh38, 1-based): chr11:89,178,116, T>C. VCF-style: chr11-89178116-T-C. GRCh37 (hg19) VCF-style: chr11-88911284-T-C.
Other names: short protein forms C55R.
Identifiers: ClinVar variation 2578664 (VCV002578664.26), dbSNP rs367543067, ClinGen allele CA382033600.